The following is an entry in ClinVar:

NM_001122769.3(LCA5):c.839G>A (p.Arg280Gln)

Gene: LCA5 (lebercilin LCA5; minus strand). Cytogenetic location: 6q14.1.
Variant type: single nucleotide variant.
Coding change: c.839G>A on transcript NM_001122769.3 (MANE Select); coding-DNA position 839, G replaced by A.
Protein change: p.Arg280Gln; replaces arginine 280 with glutamine.
Molecular consequence: missense variant.
Genome position (GRCh38, 1-based): chr6:79,493,632, C>T on the plus strand (G>A on the coding strand, the complement: LCA5 is on the minus strand). VCF-style: chr6-79493632-C-T. GRCh37 (hg19) VCF-style: chr6-80203349-C-T.
Other names: c.839G>A, p.Arg280Gln (NM_181714.4); short protein forms R280Q.
Identifiers: ClinVar variation 963761 (VCV000963761.5), dbSNP rs542672738, ClinGen allele CA3901013.

ClinVar aggregate classification (germline): Uncertain significance. Review status: criteria provided, single submitter (1 of 4 stars). 2 submissions from 2 submitters: Uncertain significance (1). 1 of the submissions does not count toward it. Last evaluated 2022-10-24.

Conditions:
Leber congenital amaurosis 5 (LCA5). Also called: Amaurosis congenita of Leber, type 5. Identifiers: Orphanet 65, MedGen C1858301, MONDO:0011473, OMIM 604537.

Allele frequency attached by ClinVar (database versions not stated): TOPMed below 0.00001; gnomAD 0.00001; gnomAD exomes 0.00002 and 0.00005; ExAC 0.00005; 1000 Genomes Project 30x 0.00016; 1000 Genomes Project 0.00020.
gnomAD v4.1: 33 of 1,613,266 alleles (0.002%); highest among the groups gnomAD compares: South Asian, 0.022%; no homozygotes.

Submissions (2):

Labcorp Genetics (formerly Invitae), Labcorp
Classification: Uncertain significance. Last evaluated: 2022-10-24. Review status: criteria provided, single submitter. Criteria: Invitae Variant Classification Sherloc (09022015). Collection method: clinical testing. Allele origin: germline.
Comment: This sequence change replaces arginine, which is basic and polar, with glutamine, which is neutral and polar, at codon 280 of the LCA5 protein (p.Arg280Gln). This variant is present in population databases (rs542672738, gnomAD 0.03%). This variant has not been reported in the literature in individuals affected with LCA5-related conditions. ClinVar contains an entry for this variant (Variation ID: 963761). Advanced modeling of protein sequence and biophysical properties (such as structural, functional, and spatial information, amino acid conservation, physicochemical variation, residue mobility, and thermodynamic stability) performed at Invitae indicates that this missense variant is not expected to disrupt LCA5 protein function. In summary, the available evidence is currently insufficient to determine the role of this variant in disease. Therefore, it has been classified as a Variant of Uncertain Significance.

Natera, Inc.
Classification: Uncertain significance for Leber congenital amaurosis type 5. Last evaluated: 2020-03-11. Review status: no assertion criteria provided. Collection method: clinical testing. Allele origin: germline. Not counted in ClinVar's aggregate classification.